The following is an entry in ClinVar:

ClinVar aggregate classification (germline): Uncertain significance (1 of 4 stars; one submission).

Conditions:
Cardiovascular phenotype. Identifiers: MedGen CN230736.

Submission:

Ambry Genetics
Classification: Uncertain significance for Cardiovascular phenotype. Last evaluated: 2026-04-04. Review status: criteria provided, single submitter. Criteria: Ambry Variant Classification Scheme 2023. Collection method: clinical testing. Allele origin: germline.
Comment: The p.A94S variant (also known as c.280G>T), located in coding exon 1 of the GATA4 gene, results from a G to T substitution at nucleotide position 280. The alanine at codon 94 is replaced by serine, an amino acid with similar properties. This amino acid position is conserved. In addition, the in silico prediction for this alteration is inconclusive. Based on the available evidence, the clinical significance of this variant remains unclear.

NM_001308093.3(GATA4):c.280G>T (p.Ala94Ser)

Gene: GATA4 (GATA binding protein 4). Cytogenetic location: 8p23.1.
Variant type: single nucleotide variant.
Coding change: c.280G>T on transcript NM_001308093.3 (MANE Select); coding-DNA position 280, G replaced by T.
Protein change: p.Ala94Ser; replaces alanine 94 with serine.
Molecular consequence: missense variant. On other transcripts: intron variant (3).
Genome position (GRCh38, 1-based): chr8:11,708,592, G>T. VCF-style: chr8-11708592-G-T. GRCh37 (hg19) VCF-style: chr8-11566101-G-T.
Other names: c.280G>T, p.Ala94Ser (NM_002052.5); c.-6+7814G>T (NM_001308094.2); c.-3+578G>T (NM_001374274.1); c.-3+4288G>T (NM_001374273.1); short protein forms A94S.
Identifiers: ClinVar variation 4857883 (VCV004857883.1).
Genomic context (GRCh38, chr8:11,708,592, plus strand): 5'-GCCGCGTCTGGTGCGGGGCCCGGGACCCAGCAGGGCAGCCCGGGATGGAGCCAGGCGGGA[G>T]CCGACGGAGCCGCTTACACCCCGCCGCCGGTGTCGCCGCGCTTCTCCTTCCCGGGGACCA-3'
Protein context (NP_001295022.1, residues 84-104): QGSPGWSQAG[Ala94Ser]DGAAYTPPPV